The following is an entry in ClinVar:

NM_014633.5(CTR9):c.3139G>C (p.Glu1047Gln)

Gene: CTR9 (CTR9 component of Paf1/RNA polymerase II complex; plus strand). Cytogenetic location: 11p15.4.
Variant type: single nucleotide variant.
Coding change: c.3139G>C on transcript NM_014633.5 (MANE Select); coding-DNA position 3139, G replaced by C.
Protein change: p.Glu1047Gln; replaces glutamic acid 1047 with glutamine.
Molecular consequence: missense variant.
Genome position (GRCh38, 1-based): chr11:10,778,722, G>C. VCF-style: chr11-10778722-G-C. GRCh37 (hg19) VCF-style: chr11-10800269-G-C.
Other names: c.3067G>C, p.Glu1023Gln (NM_001346279.2); short protein forms E1023Q, E1047Q.
Identifiers: ClinVar variation 2886259 (VCV002886259.3), dbSNP rs567678481, ClinGen allele CA5885526.
Genomic context (GRCh38, chr11:10,778,722, plus strand): 5'-ATGATCATCTTTGCCAGACATCCCAGGAACAGCAACAGCAACAGTGACTCAGACGAGGAC[G>C]AACAACGAAAGAAATGTGCCTCATCAGAGAGTGATTCCGATGAGAACCAGAACAAGTCTG-3'
Protein context (NP_055448.1, residues 1037-1057): SNSNSDSDED[Glu1047Gln]QRKKCASSES

ClinVar aggregate classification (germline): Uncertain significance (1 of 4 stars; one submission).

Allele frequency attached by ClinVar (database versions not stated): 1000 Genomes Project 30x 0.00016; 1000 Genomes Project 0.00020.
gnomAD v4.1: 3 of 1,613,904 alleles (0.00019%); highest among the groups gnomAD compares: South Asian, 0.0011%; no homozygotes.

Submission:

Labcorp Genetics (formerly Invitae), Labcorp
Classification: Uncertain significance. Last evaluated: 2024-07-11. Review status: criteria provided, single submitter. Criteria: Invitae Variant Classification Sherloc (09022015). Collection method: clinical testing. Allele origin: germline.
Comment: This sequence change replaces glutamic acid, which is acidic and polar, with glutamine, which is neutral and polar, at codon 1047 of the CTR9 protein (p.Glu1047Gln). This variant is present in population databases (rs567678481, gnomAD 0.003%). This variant has not been reported in the literature in individuals affected with CTR9-related conditions. An algorithm developed to predict the effect of missense changes on protein structure and function outputs the following: PolyPhen-2: "Benign". The glutamine amino acid residue is found in multiple mammalian species, which suggests that this missense change does not adversely affect protein function. In summary, the available evidence is currently insufficient to determine the role of this variant in disease. Therefore, it has been classified as a Variant of Uncertain Significance.